The following is an entry in ClinVar:

ClinVar aggregate classification (germline): Uncertain significance (1 of 4 stars; one submission).

Conditions:
Agammaglobulinemia 2, autosomal recessive (AGM2). Also called: AGAMMAGLOBULINEMIA, AUTOSOMAL RECESSIVE, DUE TO IGLL1 DEFECT. Identifiers: MedGen C3150750, MONDO:0013287, OMIM 613500.

Submission:

Labcorp Genetics (formerly Invitae), Labcorp
Classification: Uncertain significance for Agammaglobulinemia 2, autosomal recessive. Last evaluated: 2019-07-03. Review status: criteria provided, single submitter. Criteria: Invitae Variant Classification Sherloc (09022015). Collection method: clinical testing. Allele origin: germline.
Comment: This variant is a gross deletion of the genomic region encompassing exons 1 and 2 of the IGLL1 gene, which includes the initiator codon. The 5' end of this event is unknown as it extends beyond the assayed region for this gene and therefore may encompass additional genes. The 3' boundary is likely confined to intron 2 of the IGLL1 gene. This is expected to result in an absent or disrupted protein product. Deletions of exons 1 and 2 have not been reported in the literature in individuals with IGLL1-related disease. The current clinical and genetic evidence is not sufficient to establish whether loss-of-function variants in IGLL1 cause disease. In summary, the available evidence is currently insufficient to determine the role of this variant in disease. Therefore, it has been classified as a Variant of Uncertain Significance.

NC_000022.11:g.(?_23574947)_(23580210_?)del

Gene: IGLL1 (immunoglobulin lambda like polypeptide 1; minus strand). Cytogenetic location: 22q11.23.
Variant type: Deletion.
Identifiers: ClinVar variation 583765 (VCV000583765.3).